The following is an entry in ClinVar:

ClinVar aggregate classification (germline): Uncertain significance. Review status: criteria provided, multiple submitters, no conflicts (2 of 4 stars). 2 submissions from 2 submitters: Uncertain significance (2). Last evaluated 2025-11-12.

Allele frequency attached by ClinVar (database versions not stated): gnomAD exomes below 0.00001.
gnomAD v4.1: 2 of 1,613,946 alleles (0.00012%); highest among the groups gnomAD compares: Non-Finnish European, 0.00017%; no homozygotes.

Submissions (2):

GeneDx
Classification: Uncertain significance. Last evaluated: 2025-11-12. Review status: criteria provided, single submitter. Criteria: GeneDx Variant Classification Process June 2021. Collection method: clinical testing. Allele origin: germline.
Comment: Not observed at significant frequency in large population cohorts (gnomAD); In silico analysis supports that this missense variant has a deleterious effect on protein structure/function; Has not been previously published as pathogenic or benign to our knowledge

Labcorp Genetics (formerly Invitae), Labcorp
Classification: Uncertain significance. Last evaluated: 2023-10-03. Review status: criteria provided, single submitter. Criteria: Invitae Variant Classification Sherloc (09022015). Collection method: clinical testing. Allele origin: germline.
Comment: This sequence change replaces glutamic acid, which is acidic and polar, with valine, which is neutral and non-polar, at codon 896 of the MAGEL2 protein (p.Glu896Val). This variant is not present in population databases (gnomAD no frequency). This variant has not been reported in the literature in individuals affected with MAGEL2-related conditions. Advanced modeling of protein sequence and biophysical properties (such as structural, functional, and spatial information, amino acid conservation, physicochemical variation, residue mobility, and thermodynamic stability) performed at Invitae indicates that this missense variant is not expected to disrupt MAGEL2 protein function. In summary, the available evidence is currently insufficient to determine the role of this variant in disease. Therefore, it has been classified as a Variant of Uncertain Significance.

NM_019066.5(MAGEL2):c.2687A>T (p.Glu896Val)

Gene: MAGEL2 (MAGE family member L2; minus strand). Cytogenetic location: 15q11.2.
Variant type: single nucleotide variant.
Coding change: c.2687A>T on transcript NM_019066.5 (MANE Select); coding-DNA position 2687, A replaced by T.
Protein change: p.Glu896Val; replaces glutamic acid 896 with valine.
Molecular consequence: missense variant.
Genome position (GRCh38, 1-based): chr15:23,645,056, T>A on the plus strand (A>T on the coding strand, the complement: MAGEL2 is on the minus strand). VCF-style: chr15-23645056-T-A. GRCh37 (hg19) VCF-style: chr15-23890203-T-A.
Other names: c.2687A>T (NM_019066.4); short protein forms E896V.
Identifiers: ClinVar variation 2872438 (VCV002872438.5), dbSNP rs1890364008, ClinGen allele CA391330509.